The following is an entry in ClinVar:

NM_001008537.3(NEXMIF):c.1302G>C (p.Glu434Asp)

Gene: NEXMIF (neurite extension and migration factor; minus strand). Cytogenetic location: Xq13.3.
Variant type: single nucleotide variant.
Coding change: c.1302G>C on transcript NM_001008537.3 (MANE Select); coding-DNA position 1302, G replaced by C.
Protein change: p.Glu434Asp; replaces glutamic acid 434 with aspartic acid.
Molecular consequence: missense variant.
Genome position (GRCh38, 1-based): chrX:74,743,255, C>G on the plus strand (G>C on the coding strand, the complement: NEXMIF is on the minus strand). VCF-style: chrX-74743255-C-G. GRCh37 (hg19) VCF-style: chrX-73963090-C-G.
Other names: short protein forms E434D.
Identifiers: ClinVar variation 861712 (VCV000861712.9), dbSNP rs2080113640, ClinGen allele CA413670822.

ClinVar aggregate classification (germline): Uncertain significance (1 of 4 stars; one submission).

Submission:

Labcorp Genetics (formerly Invitae), Labcorp
Classification: Uncertain significance. Last evaluated: 2020-01-21. Review status: criteria provided, single submitter. Criteria: Invitae Variant Classification Sherloc (09022015). Collection method: clinical testing. Allele origin: germline.
Comment: This sequence change replaces glutamic acid with aspartic acid at codon 434 of the NEXMIF protein (p.Glu434Asp). The glutamic acid residue is highly conserved and there is a small physicochemical difference between glutamic acid and aspartic acid. This variant is not present in population databases (ExAC no frequency). This variant has not been reported in the literature in individuals with NEXMIF-related conditions. Algorithms developed to predict the effect of missense changes on protein structure and function output the following: SIFT: "Tolerated"; PolyPhen-2: "Probably Damaging"; Align-GVGD: "Class C0". The aspartic acid amino acid residue is found in multiple mammalian species, suggesting that this missense change does not adversely affect protein function. These predictions have not been confirmed by published functional studies and their clinical significance is uncertain. In summary, the available evidence is currently insufficient to determine the role of this variant in disease. Therefore, it has been classified as a Variant of Uncertain Significance.